The following is an entry in ClinVar:

ClinVar aggregate classification (germline): Uncertain significance. Review status: criteria provided, multiple submitters, no conflicts (2 of 4 stars). 2 submissions from 2 submitters: Uncertain significance (2). Last evaluated 2025-11-24.

Conditions:
Early-infantile DEE. Also called: Early infantile epileptic encephalopathy with suppression bursts; Early infantile epileptic encephalopathy; Ohtahara syndrome. Identifiers: Orphanet 1934, MedGen C0393706, MONDO:0800491.

Allele frequency attached by ClinVar (database versions not stated): gnomAD 0.00001; gnomAD exomes 0.00001; ExAC 0.00002.
gnomAD v4.1: 13 of 1,613,934 alleles (0.00081%); highest among the groups gnomAD compares: African/African-American, 0.0013%; no homozygotes.

Submissions (2):

Labcorp Genetics (formerly Invitae), Labcorp
Classification: Uncertain significance for Early-infantile DEE. Last evaluated: 2025-11-24. Review status: criteria provided, single submitter. Criteria: Invitae Variant Classification Sherloc (09022015). Collection method: clinical testing. Allele origin: germline.
Comment: This sequence change replaces glycine, which is neutral and non-polar, with arginine, which is basic and polar, at codon 1842 of the SPTAN1 protein (p.Gly1842Arg). This variant is present in population databases (rs770133448, gnomAD 0.007%). This variant has not been reported in the literature in individuals affected with SPTAN1-related conditions. ClinVar contains an entry for this variant (Variation ID: 1368860). Invitae Evidence Modeling of protein sequence and biophysical properties (such as structural, functional, and spatial information, amino acid conservation, physicochemical variation, residue mobility, and thermodynamic stability) has been performed for this missense variant. However, the output from this modeling did not meet the statistical confidence thresholds required to predict the impact of this variant on SPTAN1 protein function. In summary, the available evidence is currently insufficient to determine the role of this variant in disease. Therefore, it has been classified as a Variant of Uncertain Significance.

ARUP Laboratories, Molecular Genetics and Genomics, ARUP Laboratories
Classification: Uncertain significance. Last evaluated: 2025-07-15. Review status: criteria provided, single submitter. Criteria: ARUP Molecular Germline Variant Investigation Process 2024. Collection method: clinical testing. Allele origin: germline.

NM_001130438.3(SPTAN1):c.5524G>A (p.Gly1842Arg)

Gene: SPTAN1 (spectrin alpha, non-erythrocytic 1; plus strand). Cytogenetic location: 9q34.11.
Variant type: single nucleotide variant.
Coding change: c.5524G>A on transcript NM_001130438.3 (MANE Select); coding-DNA position 5524, G replaced by A.
Protein change: p.Gly1842Arg; replaces glycine 1842 with arginine.
Molecular consequence: missense variant.
Genome position (GRCh38, 1-based): chr9:128,618,032, G>A. VCF-style: chr9-128618032-G-A. GRCh37 (hg19) VCF-style: chr9-131380311-G-A.
Other names: c.5449G>A, p.Gly1817Arg (NM_001195532.2); c.5524G>A, p.Gly1842Arg (NM_001363759.2, NM_001375310.1, NM_001375311.2 and 1 more transcripts); c.5464G>A, p.Gly1822Arg (NM_001363765.2, NM_001375314.2); c.5560G>A, p.Gly1854Arg (NM_001375312.2, NM_001375318.1); c.5509G>A, p.Gly1837Arg (NM_003127.4); short protein forms G1822R, G1854R, G1837R, G1842R, G1817R.
Identifiers: ClinVar variation 1368860 (VCV001368860.8), dbSNP rs770133448, ClinGen allele CA5265493.